The following is an entry in ClinVar:

ClinVar aggregate classification (germline): Likely benign (1 of 4 stars; one submission).

Allele frequency attached by ClinVar (database versions not stated): gnomAD exomes 0.00001.
gnomAD v4.1: 22 of 1,159,334 alleles (0.0019%); highest among the groups gnomAD compares: Non-Finnish European, 0.0025%; no homozygotes.

Submission:

GeneDx
Classification: Likely benign. Last evaluated: 2016-10-06. Review status: criteria provided, single submitter. Criteria: GeneDx Variant Classification (06012015). Collection method: clinical testing. Allele origin: germline. Affected: yes.
Comment: This variant is considered likely benign or benign based on one or more of the following criteria: it is a conservative change, it occurs at a poorly conserved position in the protein, it is predicted to be benign by multiple in silico algorithms, and/or has population frequency not consistent with disease.

NM_005660.3(SLC35A2):c.-8A>G

Gene: SLC35A2 (solute carrier family 35 member A2; minus strand). Cytogenetic location: Xp11.23.
Variant type: single nucleotide variant.
Coding change: c.-8A>G on transcript NM_005660.3 (MANE Select); 8 bases upstream of the start codon, A replaced by G.
Molecular consequence: 5 prime UTR variant. On other transcripts: intron variant (1).
Genome position (GRCh38, 1-based): chrX:48,911,644, T>C on the plus strand (A>G on the coding strand, the complement: SLC35A2 is on the minus strand). VCF-style: chrX-48911644-T-C. GRCh37 (hg19) VCF-style: chrX-48768921-T-C.
Other names: c.-8A>G (NM_001032289.3, NM_001042498.3, NM_001282647.2 and 3 more transcripts); c.19+215A>G (NM_001282648.2).
Identifiers: ClinVar variation 389642 (VCV000389642.1), dbSNP rs1057523494, ClinGen allele CA16608877.